The following is an entry in ClinVar:

NM_001356.5(DDX3X):c.620A>G (p.Gln207Arg)

Gene: DDX3X (DEAD-box helicase 3 X-linked; plus strand). Cytogenetic location: Xp11.4.
Variant type: single nucleotide variant.
Coding change: c.620A>G on transcript NM_001356.5 (MANE Select); coding-DNA position 620, A replaced by G.
Protein change: p.Gln207Arg; replaces glutamine 207 with arginine.
Molecular consequence: missense variant. On other transcripts: non-coding transcript variant (1).
Genome position (GRCh38, 1-based): chrX:41,343,292, A>G. VCF-style: chrX-41343292-A-G. GRCh37 (hg19) VCF-style: chrX-41202545-A-G.
Other names: c.620A>G, p.Gln207Arg (NM_001193416.3); c.572A>G, p.Gln191Arg (NM_001193417.3); c.62A>G, p.Gln21Arg (NM_001363819.1); short protein forms Q191R, Q207R, Q21R.
Identifiers: ClinVar variation 4530065 (VCV004530065.1).

ClinVar aggregate classification (somatic clinical impact): Tier II - Potential (1 of 4 stars; one submission).

Conditions:
Medulloblastoma non-WNT/non-SHH group 3. Identifiers: MedGen C4330665, MONDO:0956966.

Submission:

Institute for Genomic Medicine (IGM) Clinical Laboratory, Nationwide Children's Hospital
Classification: Tier II - Potential for Medulloblastoma non-WNT/non-SHH group 3. Assertion type: diagnostic. Clinical significance: supports diagnosis. Last evaluated: 2023-02-04. Review status: criteria provided, single submitter. Criteria: AMP/ASCO/CAP Guidelines, 2017. Collection method: clinical testing. Allele origin: somatic. Affected: yes.
Comment: Variant has Tier II (potential) clinical significance as a diagnostic inclusion criterion in medulloblastoma non-WNT/non-SHH group 3, based on the following evidence: 1) Diagnostic significance based on multiple small studies (Evidence Level C; PMIDs: 22820256, 22832583, 22722829, 28726821).

Literature cited by the submitters: PubMed 22820256; PubMed 22832583; PubMed 22722829; PubMed 28726821.